The following is an entry in ClinVar:

ClinVar aggregate classification (germline): Uncertain significance. Review status: criteria provided, multiple submitters, no conflicts (2 of 4 stars). 3 submissions from 3 submitters: Uncertain significance (3). Last evaluated 2024-10-06.

Conditions:
Microcephaly-intellectual disability-sensorineural hearing loss-epilepsy-abnormal muscle tone syndrome (NEDHSB). Also called: NEURODEVELOPMENTAL DISORDER WITH HEARING LOSS, SEIZURES, AND BRAIN ABNORMALITIES. Identifiers: Orphanet 457351, MedGen C4225276, MONDO:0014698, OMIM 616577.
Inborn genetic diseases. Identifiers: MedGen C0950123, MeSH D030342.

Allele frequency attached by ClinVar (database versions not stated): ExAC 0.00003; gnomAD 0.00004 and 0.00005; gnomAD exomes 0.00004; TOPMed 0.00005; ESP Exome Variant Server 0.00008.
gnomAD v4.1: 94 of 1,610,730 alleles (0.0058%); highest among the groups gnomAD compares: Non-Finnish European, 0.0076%; no homozygotes.

Submissions (3):

Ambry Genetics
Classification: Uncertain significance for Inborn genetic diseases. Last evaluated: 2024-10-06. Review status: criteria provided, single submitter. Criteria: Ambry Variant Classification Scheme 2023. Collection method: clinical testing. Allele origin: germline.

Labcorp Genetics (formerly Invitae), Labcorp
Classification: Uncertain significance for Microcephaly-intellectual disability-sensorineural hearing loss-epilepsy-abnormal muscle tone syndrome. Last evaluated: 2022-07-21. Review status: criteria provided, single submitter. Criteria: Invitae Variant Classification Sherloc (09022015). Collection method: clinical testing. Allele origin: germline.
Comment: This sequence change replaces lysine, which is basic and polar, with glutamic acid, which is acidic and polar, at codon 471 of the SPATA5 protein (p.Lys471Glu). This variant is present in population databases (rs371066513, gnomAD 0.007%). This variant has not been reported in the literature in individuals affected with SPATA5-related conditions. ClinVar contains an entry for this variant (Variation ID: 1336498). Advanced modeling of protein sequence and biophysical properties (such as structural, functional, and spatial information, amino acid conservation, physicochemical variation, residue mobility, and thermodynamic stability) performed at Invitae indicates that this missense variant is expected to disrupt SPATA5 protein function. In summary, the available evidence is currently insufficient to determine the role of this variant in disease. Therefore, it has been classified as a Variant of Uncertain Significance.

Genetic Services Laboratory, University of Chicago
Classification: Uncertain significance. Last evaluated: 2018-01-19. Review status: criteria provided, single submitter. Criteria: ACMG Guidelines, 2015. Collection method: clinical testing. Allele origin: germline. Affected: no.

NM_145207.3(AFG2A):c.1411A>G (p.Lys471Glu)

Gene: AFG2A (AFG2 AAA ATPase homolog A; plus strand). Cytogenetic location: 4q28.1.
Variant type: single nucleotide variant.
Coding change: c.1411A>G on transcript NM_145207.3 (MANE Select); coding-DNA position 1411, A replaced by G.
Protein change: p.Lys471Glu; replaces lysine 471 with glutamic acid.
Molecular consequence: missense variant.
Genome position (GRCh38, 1-based): chr4:122,938,202, A>G. VCF-style: chr4-122938202-A-G. GRCh37 (hg19) VCF-style: chr4-123859357-A-G.
Other names: c.1408A>G, p.Lys470Glu (NM_001317799.2, NM_001345856.2); short protein forms K470E, K471E.
Identifiers: ClinVar variation 1336498 (VCV001336498.6), dbSNP rs371066513, ClinGen allele CA3070451.